The following is an entry in ClinVar:

NM_005263.5(GFI1):c.925-7_925-6insTCTCTCTCTA

Gene: GFI1 (growth factor independent 1 transcriptional repressor; minus strand). Cytogenetic location: 1p22.1.
Variant type: Microsatellite.
Coding change: c.925-7_925-6insTCTCTCTCTA on transcript NM_005263.5 (MANE Select); 7 bases into the intron before coding-DNA position 925 through 6 bases into the intron before coding-DNA position 925, TCTCTCTCTA inserted.
Molecular consequence: intron variant.
Genome position: GRCh38 VCF-style: chr1-92478759-G-GAGAGAGAGAT. GRCh37 (hg19) VCF-style: chr1-92944316-G-GAGAGAGAGAT.
Other names: p.?; c.925-7_925-6insATCTCTCTCT (NM_005263.5); c.925-7_925-6insTCTCTCTCTA (NM_001127216.3, NM_001127215.3).
Identifiers: ClinVar variation 1092438 (VCV001092438.14), dbSNP rs1553162639.

ClinVar aggregate classification (germline): Likely benign. Review status: criteria provided, multiple submitters, no conflicts (2 of 4 stars). 4 submissions from 4 submitters: Likely benign (4). Last evaluated 2025-05-19.

Conditions:
Neutropenia, severe congenital, 2, autosomal dominant. Identifiers: Orphanet 486, MedGen C2751288, MONDO:0013139, OMIM 613107.

Submissions (4):

Mayo Clinic Laboratories, Mayo Clinic
Classification: Likely benign. Last evaluated: 2025-05-19. Review status: criteria provided, single submitter. Criteria: ACMG Guidelines, 2015. Collection method: clinical testing. Allele origin: germline. Observed: 1 variant allele.
Comment: BP4, BP7

Blueprint Genetics
Classification: Likely benign. Last evaluated: 2023-02-13. Review status: criteria provided, single submitter. Criteria: ACMG Guidelines, 2015. Collection method: clinical testing. Allele origin: germline.

Labcorp Genetics (formerly Invitae), Labcorp
Classification: Likely benign for Neutropenia, severe congenital, 2, autosomal dominant. Last evaluated: 2021-05-12. Review status: criteria provided, single submitter. Criteria: Invitae Variant Classification Sherloc (09022015). Collection method: clinical testing. Allele origin: germline.

Genetic Services Laboratory, University of Chicago
Classification: Likely benign. Last evaluated: 2019-08-26. Review status: criteria provided, single submitter. Criteria: ACMG Guidelines, 2015. Collection method: clinical testing. Allele origin: germline. Affected: no.